The following is an entry in ClinVar:

NM_002474.3(MYH11):c.3751G>C (p.Glu1251Gln)

Gene: MYH11 (myosin heavy chain 11; minus strand). Cytogenetic location: 16p13.11.
Variant type: single nucleotide variant.
Coding change: c.3751G>C on transcript NM_002474.3 (MANE Select); coding-DNA position 3751, G replaced by C.
Protein change: p.Glu1251Gln; replaces glutamic acid 1251 with glutamine.
Molecular consequence: missense variant.
Genome position (GRCh38, 1-based): chr16:15,726,955, C>G on the plus strand (G>C on the coding strand, the complement: MYH11 is on the minus strand). VCF-style: chr16-15726955-C-G. GRCh37 (hg19) VCF-style: chr16-15820812-C-G.
Other names: c.3772G>C, p.Glu1258Gln (NM_001040113.2, NM_001040114.2); c.3751G>C, p.Glu1251Gln (NM_022844.3); short protein forms E1251Q, E1258Q.
Identifiers: ClinVar variation 1366813 (VCV001366813.8), dbSNP rs2040795490, ClinGen allele CA394860141.

ClinVar aggregate classification (germline): Uncertain significance (1 of 4 stars; one submission).

Conditions:
Aortic aneurysm, familial thoracic 4 (AAT4). Also called: AORTIC ANEURYSM/AORTIC DISSECTION AND PATENT DUCTUS ARTERIOSUS. Identifiers: MedGen C1851504, MONDO:0007568, OMIM 132900.

Allele frequency attached by ClinVar (database versions not stated): TOPMed below 0.00001; gnomAD 0.00001.
gnomAD v4.1: 2 of 1,613,416 alleles (0.00012%); highest among the groups gnomAD compares: African/African-American, 0.0027%; no homozygotes.

Submission:

Labcorp Genetics (formerly Invitae), Labcorp
Classification: Uncertain significance for Aortic aneurysm, familial thoracic 4. Last evaluated: 2025-08-13. Review status: criteria provided, single submitter. Criteria: Invitae Variant Classification Sherloc (09022015). Collection method: clinical testing. Allele origin: germline.
Comment: This sequence change replaces glutamic acid, which is acidic and polar, with glutamine, which is neutral and polar, at codon 1258 of the MYH11 protein (p.Glu1258Gln). This variant is not present in population databases (gnomAD no frequency). This variant has not been reported in the literature in individuals affected with MYH11-related conditions. ClinVar contains an entry for this variant (Variation ID: 1366813). Invitae Evidence Modeling of protein sequence and biophysical properties (such as structural, functional, and spatial information, amino acid conservation, physicochemical variation, residue mobility, and thermodynamic stability) indicates that this missense variant is not expected to disrupt MYH11 protein function with a negative predictive value of 95%. In summary, the available evidence is currently insufficient to determine the role of this variant in disease. Therefore, it has been classified as a Variant of Uncertain Significance.